The following is an entry in ClinVar:

NM_201548.5(CERKL):c.1159+3G>A

Gene: CERKL (CERK like autophagy regulator; minus strand). Cytogenetic location: 2q31.3.
Variant type: single nucleotide variant.
Coding change: c.1159+3G>A on transcript NM_201548.5 (MANE Select); 3 bases into the intron after coding-DNA position 1159, G replaced by A.
Molecular consequence: intron variant.
Genome position (GRCh38, 1-based): chr2:181,547,819, C>T on the plus strand (G>A on the coding strand, the complement: CERKL is on the minus strand). VCF-style: chr2-181547819-C-T. GRCh37 (hg19) VCF-style: chr2-182412546-C-T.
Other names: c.820+3G>A (NM_001030312.3); c.1105+3G>A (NM_001160277.2); c.952+3G>A (NM_001030313.3); c.1237+3G>A (NM_001030311.3).
Identifiers: ClinVar variation 1403338 (VCV001403338.6), dbSNP rs373597465, ClinGen allele CA2010526.

ClinVar aggregate classification (germline): Conflicting classifications of pathogenicity. Review status: criteria provided, conflicting classifications (1 of 4 stars). 3 submissions from 3 submitters: Uncertain significance (2); Likely benign (1). Last evaluated 2024-12-02.

Allele frequency attached by ClinVar (database versions not stated): gnomAD exomes 0.00003; ExAC 0.00005; TOPMed 0.00020.
gnomAD v4.1: 35 of 1,614,008 alleles (0.0022%); highest among the groups gnomAD compares: African/African-American, 0.041%; no homozygotes.

Submissions (3):

Labcorp Genetics (formerly Invitae), Labcorp
Classification: Uncertain significance. Last evaluated: 2024-12-02. Review status: criteria provided, single submitter. Criteria: Invitae Variant Classification Sherloc (09022015). Collection method: clinical testing. Allele origin: germline.
Comment: This sequence change falls in intron 10 of the CERKL gene. It does not directly change the encoded amino acid sequence of the CERKL protein. It affects a nucleotide within the consensus splice site. This variant is present in population databases (rs373597465, gnomAD 0.04%). This variant has not been reported in the literature in individuals affected with CERKL-related conditions. ClinVar contains an entry for this variant (Variation ID: 1403338). Variants that disrupt the consensus splice site are a relatively common cause of aberrant splicing (PMID: 17576681, 9536098). Algorithms developed to predict the effect of sequence changes on RNA splicing suggest that this variant is not likely to affect RNA splicing. In summary, the available evidence is currently insufficient to determine the role of this variant in disease. Therefore, it has been classified as a Variant of Uncertain Significance.

Women's Health and Genetics/Laboratory Corporation of America, LabCorp
Classification: Uncertain significance. Last evaluated: 2024-01-11. Review status: criteria provided, single submitter. Criteria: LabCorp Variant Classification Summary - May 2015. Collection method: clinical testing. Allele origin: germline.

Blueprint Genetics
Classification: Likely benign. Last evaluated: 2021-09-14. Review status: criteria provided, single submitter. Criteria: ACMG Guidelines, 2015. Collection method: clinical testing. Allele origin: germline.

Literature cited by the submitters: PubMed 17576681 (cited by Labcorp Genetics (formerly Invitae), Labcorp); PubMed 9536098 (cited by Labcorp Genetics (formerly Invitae), Labcorp).